The following is an entry in ClinVar:

ClinVar aggregate classification (germline): Uncertain significance (1 of 4 stars; one submission).

Conditions:
Polycystic kidney disease, adult type (PKD1). Also called: Polycystic Kidney Disease 1, Autosomal Dominant; Polycystic kidney disease 1; Polycystic kidney disease 1, severe; POLYCYSTIC KIDNEY DISEASE, ADULT, TYPE I; Polycystic Kidney, Autosomal Dominant; POLYCYSTIC KIDNEY DISEASE 1 WITH OR WITHOUT POLYCYSTIC LIVER DISEASE. Identifiers: MedGen C3149841, MONDO:0008263, OMIM 173900.

Submission:

Victorian Clinical Genetics Services, Murdoch Childrens Research Institute
Classification: Uncertain significance for Polycystic kidney disease, adult type. Last evaluated: 2026-05-21. Review status: criteria provided, single submitter. Criteria: ACMG Guidelines, 2015. Collection method: clinical testing. Allele origin: germline. Affected: yes.
Comment: This variant is classified as VUS-3B. Evidence in support of pathogenic classification: Variant is present in gnomAD <0.001 for a dominant condition (v2: 2 heterozygote(s), 0 homozygote(s)). Evidence in support of benign classification: Missense variant predicted to be tolerated by in silico tool(s) or not conserved in placental mammals with a minor amino acid change. Additional information: Variant is predicted to result in a missense amino acid change from Pro to Leu; This variant is heterozygous; This gene is associated with autosomal dominant disease. Polycystic kidney disease 1 (MIM#173900) is predominantly caused by monoallelic variants, with rare reports of biallelic variants causing disease (OMIM); Alternative amino acid change(s) at the same position are present in gnomAD (highest allele count: v4: 8 heterozygote(s), 0 homozygote(s)); This variant has no previous evidence of pathogenicity; No published evidence of segregation with disease has been identified for this variant; No published functional evidence has been identified for this variant; No comparable missense variants have previous evidence for pathogenicity; Variant is located in the annotated lectin C-type domain (DECIPHER); Loss of function is a known mechanism of disease in this gene and is associated with polycystic kidney disease 1 (MIM#173900); Inheritance information for this variant is not currently available in this individual.

NM_001009944.3(PKD1):c.1505C>T (p.Pro502Leu)

Gene: PKD1 (polycystin 1, transient receptor potential channel interacting; minus strand). Cytogenetic location: 16p13.3.
Variant type: single nucleotide variant.
Coding change: c.1505C>T on transcript NM_001009944.3 (MANE Select); coding-DNA position 1505, C replaced by T.
Protein change: p.Pro502Leu; replaces proline 502 with leucine.
Molecular consequence: missense variant.
Genome position (GRCh38, 1-based): chr16:2,116,934, G>A on the plus strand (C>T on the coding strand, the complement: PKD1 is on the minus strand). VCF-style: chr16-2116934-G-A. GRCh37 (hg19) VCF-style: chr16-2166935-G-A.
Other names: c.1505C>T, p.Pro502Leu (NM_000296.4); short protein forms P502L.
Identifiers: ClinVar variation 4879625 (VCV004879625.1).